The following is an entry in ClinVar:

ClinVar aggregate classification (germline): Uncertain significance (1 of 4 stars; one submission).

Submission:

Labcorp Genetics (formerly Invitae), Labcorp
Classification: Uncertain significance. Last evaluated: 2023-07-20. Review status: criteria provided, single submitter. Criteria: Invitae Variant Classification Sherloc (09022015). Collection method: clinical testing. Allele origin: germline.
Comment: This sequence change replaces glutamic acid, which is acidic and polar, with aspartic acid, which is acidic and polar, at codon 2808 of the CELSR2 protein (p.Glu2808Asp). This variant is not present in population databases (gnomAD no frequency). This variant has not been reported in the literature in individuals affected with CELSR2-related conditions. Advanced modeling of protein sequence and biophysical properties (such as structural, functional, and spatial information, amino acid conservation, physicochemical variation, residue mobility, and thermodynamic stability) performed at Invitae indicates that this missense variant is not expected to disrupt CELSR2 protein function. In summary, the available evidence is currently insufficient to determine the role of this variant in disease. Therefore, it has been classified as a Variant of Uncertain Significance.

NM_001408.3(CELSR2):c.8424G>C (p.Glu2808Asp)

Gene: CELSR2 (cadherin EGF LAG seven-pass G-type receptor 2; plus strand). Cytogenetic location: 1p13.3.
Variant type: single nucleotide variant.
Coding change: c.8424G>C on transcript NM_001408.3 (MANE Select); coding-DNA position 8424, G replaced by C.
Protein change: p.Glu2808Asp; replaces glutamic acid 2808 with aspartic acid.
Molecular consequence: missense variant.
Genome position (GRCh38, 1-based): chr1:109,273,251, G>C. VCF-style: chr1-109273251-G-C. GRCh37 (hg19) VCF-style: chr1-109815873-G-C.
Other names: short protein forms E2808D.
Identifiers: ClinVar variation 2745504 (VCV002745504.3), dbSNP rs1402066622, ClinGen allele CA341524152.